The following is an entry in ClinVar:

NM_024753.5(TTC21B):c.62A>G (p.His21Arg)

Gene: TTC21B (tetratricopeptide repeat domain 21B; minus strand). Cytogenetic location: 2q24.3.
Variant type: single nucleotide variant.
Coding change: c.62A>G on transcript NM_024753.5 (MANE Select); coding-DNA position 62, A replaced by G.
Protein change: p.His21Arg; replaces histidine 21 with arginine.
Molecular consequence: missense variant.
Genome position (GRCh38, 1-based): chr2:165,949,684, T>C on the plus strand (A>G on the coding strand, the complement: TTC21B is on the minus strand). VCF-style: chr2-165949684-T-C. GRCh37 (hg19) VCF-style: chr2-166806194-T-C.
Other names: c.62A>G (NM_024753.3); short protein forms H21R.
Identifiers: ClinVar variation 546277 (VCV000546277.21), dbSNP rs757283243, ClinGen allele CA1942564.

ClinVar aggregate classification (germline): Uncertain significance. Review status: criteria provided, multiple submitters, no conflicts (2 of 4 stars). 6 submissions from 6 submitters: Uncertain significance (6). Last evaluated 2025-08-11.

Conditions:
Nephronophthisis. Also called: Juvenile Nephronophthisis. Identifiers: Orphanet 655, MedGen C0687120, MONDO:0019005, HP:0000090.
Jeune thoracic dystrophy. Also called: Jeune syndrome; Infantile thoracic dystrophy; Thoracic pelvic phalangeal dystrophy; Jeune's syndrome; Chondroectodermal dysplasia-like syndrome; Short-rib thoracic dysplasia. Identifiers: Orphanet 474, MedGen C0265275, MONDO:0018770.
TTC21B-related disorder. Also called: TTC21B-related disorders; TTC21B-related condition.
Inborn genetic diseases. Identifiers: MedGen C0950123, MeSH D030342.
Asphyxiating thoracic dystrophy 4 (SRTD4). Also called: SHORT-RIB THORACIC DYSPLASIA 4 WITH OR WITHOUT POLYDACTYLY; SHORT-RIB THORACIC DYSPLASIA 4. Identifiers: Orphanet 474, MedGen C3151185, MONDO:0013441, OMIM 613819.
Nephronophthisis 12 (NPHP12). Identifiers: Orphanet 655, MedGen C3151186, MONDO:0013442, OMIM 613820.

Allele frequency attached by ClinVar (database versions not stated): ExAC 0.00002; gnomAD exomes 0.00002; gnomAD 0.00003; TOPMed 0.00003.
gnomAD v4.1: 33 of 1,612,536 alleles (0.002%); highest among the groups gnomAD compares: African/African-American, 0.004%; no homozygotes.

Submissions (6):

PreventionGenetics, part of Exact Sciences
Classification: Uncertain significance for TTC21B-related condition. Last evaluated: 2025-08-11. Review status: criteria provided, single submitter. Criteria: ACMG Guidelines, 2015. Collection method: clinical testing. Allele origin: germline.
Comment: The TTC21B c.62A>G variant is predicted to result in the amino acid substitution p.His21Arg. To our knowledge, this variant has not been reported in the literature. This variant is reported in 0.0041% of alleles in individuals of African descent in gnomAD. At this time, the clinical significance of this variant is uncertain due to the absence of conclusive functional and genetic evidence.

Labcorp Genetics (formerly Invitae), Labcorp
Classification: Uncertain significance for Jeune thoracic dystrophy; Nephronophthisis. Last evaluated: 2025-01-06. Review status: criteria provided, single submitter. Criteria: Invitae Variant Classification Sherloc (09022015). Collection method: clinical testing. Allele origin: germline.
Comment: This sequence change replaces histidine, which is basic and polar, with arginine, which is basic and polar, at codon 21 of the TTC21B protein (p.His21Arg). This variant is present in population databases (rs757283243, gnomAD 0.004%). This variant has not been reported in the literature in individuals affected with TTC21B-related conditions. ClinVar contains an entry for this variant (Variation ID: 546277). Invitae Evidence Modeling of protein sequence and biophysical properties (such as structural, functional, and spatial information, amino acid conservation, physicochemical variation, residue mobility, and thermodynamic stability) indicates that this missense variant is not expected to disrupt TTC21B protein function with a negative predictive value of 80%. In summary, the available evidence is currently insufficient to determine the role of this variant in disease. Therefore, it has been classified as a Variant of Uncertain Significance.

Ambry Genetics
Classification: Uncertain significance for Inborn genetic diseases. Last evaluated: 2024-01-16. Review status: criteria provided, single submitter. Criteria: Ambry Variant Classification Scheme 2023. Collection method: clinical testing. Allele origin: germline.

Fulgent Genetics
Classification: Uncertain significance for Asphyxiating thoracic dystrophy 4; Nephronophthisis 12. Last evaluated: 2021-09-20. Review status: criteria provided, single submitter. Criteria: ACMG Guidelines, 2015. Collection method: clinical testing. Allele origin: unknown.

ARUP Laboratories, Molecular Genetics and Genomics, ARUP Laboratories
Classification: Uncertain significance. Last evaluated: 2018-09-04. Review status: criteria provided, single submitter. Criteria: ARUP Molecular Germline Variant Investigation Process. Collection method: clinical testing. Allele origin: germline.
Comment: The TTC21B c.62A>G; p.His21Arg variant (rs757283243), to our knowledge, is not described in the medical literature but contains an entry in ClinVar (Variation ID: 546277). It is observed in the general population at an overall frequency of 0.0022% (6/273482 alleles) in the Genome Aggregation Database. The histidine at codon 21 is highly conserved, and computational algorithms (PolyPhen-2, SIFT) predict that this variant is deleterious. However, due to the lack of clinical and functional data regarding this variant, its clinical significance cannot be determined with certainty.

GeneDx
Classification: Uncertain significance. Last evaluated: 2018-05-17. Review status: criteria provided, single submitter. Criteria: GeneDx Variant Classification (06012015). Collection method: clinical testing. Allele origin: germline. Affected: yes.
Comment: The H21R variant has not been published as a pathogenic variant, nor has it been reported as a benign variant to our knowledge. The H21R variant is not observed at a significant frequency in large population cohorts (Lek et al., 2016). In-silico analyses, including protein predictors and evolutionary conservation, support a deleterious effect. However, the H21R variant is a conservative amino acid substitution, which is not likely to impact secondary protein structure as these residues share similar properties. Therefore, based on the currently available information, it is unclear whether this variant is a pathogenic variant or a rare benign variant.